The following is an entry in ClinVar:

ClinVar aggregate classification (germline): Uncertain significance. Review status: criteria provided, multiple submitters, no conflicts (2 of 4 stars). 3 submissions from 3 submitters: Uncertain significance (2). 1 of the submissions does not count toward it. Last evaluated 2026-09-10.

Conditions:
Inborn genetic diseases. Identifiers: MedGen C0950123, MeSH D030342.
Intellectual disability. Also called: intellectual disabilities; Intellectual functioning disability; Intellectual developmental disorder. Identifiers: MedGen C3714756, MeSH D008607, MONDO:0001071, HP:0001249.

Allele frequency attached by ClinVar (database versions not stated): gnomAD 0.00003 and 0.00002; TOPMed 0.00002; gnomAD exomes 0.00001.
gnomAD v4.1: 17 of 1,613,794 alleles (0.0011%); highest among the groups gnomAD compares: African/African-American, 0.0013%; no homozygotes.

Submissions (3):

Ambry Genetics
Classification: Uncertain significance for Inborn genetic diseases. Last evaluated: 2026-09-10. Review status: criteria provided, single submitter. Criteria: Ambry Variant Classification Scheme 2023. Collection method: clinical testing. Allele origin: germline.
Comment: The c.4039G>A (p.G1347R) alteration is located in exon 12 (coding exon 12) of the ASXL3 gene. This alteration results from a G to A substitution at nucleotide position 4039, causing the glycine (G) at amino acid position 1347 to be replaced by an arginine (R). Based on data from gnomAD, the A allele has an overall frequency of 0.003% (1/31390) total alleles studied. The highest observed frequency was 0.012% (1/8706) of African alleles. Based on insufficient or conflicting evidence, the clinical significance of this alteration remains unclear.

Blueprint Genetics
Classification: Uncertain significance. Last evaluated: 2023-01-26. Review status: criteria provided, single submitter. Criteria: ACMG Guidelines, 2015. Collection method: clinical testing. Allele origin: germline.

Diagnostic Laboratory, Strasbourg University Hospital
Classification: Uncertain significance for Intellectual disability. Last evaluated: 2017-12-01. Review status: no assertion criteria provided. Collection method: clinical testing. Allele origin: unknown. Affected: yes. Observed: 1 heterozygote. Not counted in ClinVar's aggregate classification.

NM_030632.3(ASXL3):c.4039G>A (p.Gly1347Arg)

Gene: ASXL3 (ASXL transcriptional regulator 3; plus strand). Cytogenetic location: 18q12.1.
Variant type: single nucleotide variant.
Coding change: c.4039G>A on transcript NM_030632.3 (MANE Select); coding-DNA position 4039, G replaced by A.
Protein change: p.Gly1347Arg; replaces glycine 1347 with arginine.
Molecular consequence: missense variant.
Genome position (GRCh38, 1-based): chr18:33,743,887, G>A. VCF-style: chr18-33743887-G-A. GRCh37 (hg19) VCF-style: chr18-31323851-G-A.
Other names: c.4039G>A (NM_030632.1); short protein forms G1347R.
Identifiers: ClinVar variation 973114 (VCV000973114.4), dbSNP rs967367864, ClinGen allele CA297793313.